The following is an entry in ClinVar:

NM_003748.4(ALDH4A1):c.948C>T (p.Gly316=)

Gene: ALDH4A1 (aldehyde dehydrogenase 4 family member A1; minus strand). Cytogenetic location: 1p36.13.
Variant type: single nucleotide variant.
Coding change: c.948C>T on transcript NM_003748.4 (MANE Select); coding-DNA position 948, C replaced by T.
Protein change: p.Gly316=; no amino-acid change (glycine 316 retained).
Molecular consequence: synonymous variant.
Genome position (GRCh38, 1-based): chr1:18,877,605, G>A on the plus strand (C>T on the coding strand, the complement: ALDH4A1 is on the minus strand). VCF-style: chr1-18877605-G-A. GRCh37 (hg19) VCF-style: chr1-19204099-G-A.
Other names: c.768C>T, p.Gly256= (NM_001161504.2); c.948C>T, p.Gly316= (NM_001319218.2, NM_170726.3).
Identifiers: ClinVar variation 2638407 (VCV002638407.25), dbSNP rs770587213, ClinGen allele CA647127.
Genomic context (GRCh38, chr1:18,877,605, plus strand): 5'-GGTCCCGCTCACCACGCTCTCCACGTCGGCCGAGCGGTGCACGAAGTGGAAGTTCTTTCC[G>A]CCGCACTCTACAGGGGTCGGGGGTGGGGAAATGACCAGAGGAGCTGGCTCCCCCGGTTGC-3'
Protein context (NP_003739.2, residues 306-326): HTFPRLAGEC[Gly316=]GKNFHFVHRS

ClinVar aggregate classification (germline): Likely benign. Review status: criteria provided, multiple submitters, no conflicts (2 of 4 stars). 2 submissions from 2 submitters: Likely benign (2). Last evaluated 2025-05-28.

Conditions:
Hyperprolinemia type 2 (HYRPRO2). Also called: 1-PYRROLINE-5-CARBOXYLATE DEHYDROGENASE DEFICIENCY; Deficiency of pyrroline-5-carboxylate reductase; Delta-1-pyrroline-5-carboxylate dehydrogenase deficiency. Identifiers: Orphanet 79101, MedGen C2931835, MONDO:0009401, OMIM 239510.

Allele frequency attached by ClinVar (database versions not stated): gnomAD 0.00001; ExAC 0.00002; gnomAD exomes 0.00006.
gnomAD v4.1: 48 of 947,530 alleles (0.0051%); highest among the groups gnomAD compares: Non-Finnish European, 0.0072%; no homozygotes.

Submissions (2):

Labcorp Genetics (formerly Invitae), Labcorp
Classification: Likely benign for Hyperprolinemia type 2. Last evaluated: 2025-05-28. Review status: criteria provided, single submitter. Criteria: Invitae Variant Classification Sherloc (09022015). Collection method: clinical testing. Allele origin: germline.

CeGaT Center for Human Genetics Tuebingen
Classification: Likely benign. Last evaluated: 2022-03-01. Review status: criteria provided, single submitter. Criteria: CeGaT Center For Human Genetics Tuebingen Variant Classification Criteria Version 2. Collection method: clinical testing. Allele origin: germline. Affected: yes. Observed: 1 variant allele.
Comment: ALDH4A1: BP4, BP7